The following is an entry in ClinVar:

ClinVar aggregate classification (germline): Uncertain significance (1 of 4 stars; one submission).

Submission:

GeneDx
Classification: Uncertain significance. Last evaluated: 2022-07-15. Review status: criteria provided, single submitter. Criteria: GeneDx Variant Classification Process June 2021. Collection method: clinical testing. Allele origin: germline. Affected: yes.
Comment: Not observed at significant frequency in large population cohorts (gnomAD); In silico analysis supports that this missense variant does not alter protein structure/function; Has not been previously published as pathogenic or benign to our knowledge

NM_001379403.1(WDR26):c.407C>G (p.Ser136Trp)

Gene: WDR26 (WD repeat domain 26; minus strand). Cytogenetic location: 1q42.12.
Variant type: single nucleotide variant.
Coding change: c.407C>G on transcript NM_001379403.1 (MANE Select); coding-DNA position 407, C replaced by G.
Protein change: p.Ser136Trp; replaces serine 136 with tryptophan.
Molecular consequence: missense variant.
Genome position (GRCh38, 1-based): chr1:224,433,999, G>C on the plus strand (C>G on the coding strand, the complement: WDR26 is on the minus strand). VCF-style: chr1-224433999-G-C. GRCh37 (hg19) VCF-style: chr1-224621701-G-C.
Other names: c.107C>G, p.Ser36Trp (NM_001115113.3, NM_025160.7); short protein forms S136W, S36W.
Identifiers: ClinVar variation 1878954 (VCV001878954.1), dbSNP rs2464797525, ClinGen allele CA344752702.